The following is an entry in ClinVar:

NM_001267550.2(TTN):c.55939_55940dup (p.Asp18648fs)

Genes: TTN-AS1 (TTN antisense RNA 1; plus strand), TTN (titin; minus strand). Cytogenetic location: 2q31.2.
Variant type: Duplication.
Coding change: c.55939_55940dup on transcript NM_001267550.2 (MANE Select); coding-DNA positions 55939 to 55940, 2 bases duplicated (GA; older notation c.55939_55940dupGA).
Protein change: p.Asp18648fs; shifts the reading frame from aspartic acid 18648.
Molecular consequence: frameshift variant.
Genome position (GRCh38, 1-based): chr2:178,600,964-178,600,965, TC duplicated on the plus strand (GA on the coding strand, the reverse complement: TTN is on the minus strand). VCF-style (leftmost placement, unchanged base first): chr2-178600963-T-TTC. GRCh37 (hg19) VCF-style: chr2-179465690-T-TTC.
Other names: c.51016_51017dup, p.Asp17007fs (NM_001256850.1); c.28744_28745dup, p.Asp9583fs (NM_003319.4); c.48235_48236dup, p.Asp16080fs (NM_133378.4); c.29119_29120dup, p.Asp9708fs (NM_133432.3); c.29320_29321dup, p.Asp9775fs (NM_133437.4); short protein forms D16080fs, D9708fs, D18648fs, D9583fs, D17007fs, D9775fs.
Identifiers: ClinVar variation 4786646 (VCV004786646.1).

ClinVar aggregate classification (germline): Likely pathogenic (1 of 4 stars; one submission).

Conditions:
Autosomal recessive limb-girdle muscular dystrophy type 2J (LGMDR10). Also called: Limb-girdle muscular dystrophy, type 2J; MUSCULAR DYSTROPHY, LIMB-GIRDLE, AUTOSOMAL RECESSIVE 10. Identifiers: Orphanet 140922, MedGen C1837342, MONDO:0012127, OMIM 608807.
Dilated cardiomyopathy 1G (CMD1G). Identifiers: Orphanet 154, MedGen C1858763, MONDO:0011400, OMIM 604145.

Submission:

Labcorp Genetics (formerly Invitae), Labcorp
Classification: Likely pathogenic for Dilated cardiomyopathy 1G; Autosomal recessive limb-girdle muscular dystrophy type 2J. Last evaluated: 2025-11-09. Review status: criteria provided, single submitter. Criteria: Invitae Variant Classification Sherloc (09022015). Collection method: clinical testing. Allele origin: germline.
Comment: This sequence change creates a premature translational stop signal (p.Asp18648Lysfs*3) in the TTN gene. While this is not anticipated to result in nonsense mediated decay, it is expected to create a truncated TTN protein. This variant is not present in population databases (gnomAD no frequency). This variant has not been reported in the literature in individuals affected with TTN-related conditions. This variant is located in the A band of TTN (PMID: 25589632). Truncating variants in this region are significantly overrepresented in patients affected with dilated cardiomyopathy (PMID: 25589632). Truncating variants in this region have also been reported in individuals affected with autosomal recessive centronuclear myopathy (PMID: 23975875). In summary, the currently available evidence indicates that the variant is pathogenic, but additional data are needed to prove that conclusively. Therefore, this variant has been classified as Likely Pathogenic.

Literature cited by the submitters: PubMed 25589632; PubMed 23975875.